The following is an entry in ClinVar:

ClinVar aggregate classification (germline): Uncertain significance (1 of 4 stars; one submission).

Conditions:
Alagille syndrome due to a JAG1 point mutation. Also called: Alagille Syndrome 1; HEPATIC DUCTULAR HYPOPLASIA, SYNDROMATIC; JAG1-Related Alagille Syndrome. Identifiers: Orphanet 261619, Orphanet 52, MedGen C1956125, MONDO:0016862, OMIM 118450.

Allele frequency attached by ClinVar (database versions not stated): TOPMed 0.00001; gnomAD exomes 0.00002.
gnomAD v4.1: 35 of 1,614,038 alleles (0.0022%); highest among the groups gnomAD compares: South Asian, 0.012%; no homozygotes.

Submission:

Labcorp Genetics (formerly Invitae), Labcorp
Classification: Uncertain significance for Alagille syndrome due to a JAG1 point mutation. Last evaluated: 2022-06-14. Review status: criteria provided, single submitter. Criteria: Invitae Variant Classification Sherloc (09022015). Collection method: clinical testing. Allele origin: germline.
Comment: This sequence change affects codon 1087 of the JAG1 mRNA. It is a 'silent' change, meaning that it does not change the encoded amino acid sequence of the JAG1 protein. This variant is present in population databases (rs770197804, gnomAD 0.01%). This variant has not been reported in the literature in individuals affected with JAG1-related conditions. Algorithms developed to predict the effect of sequence changes on RNA splicing suggest that this variant may create or strengthen a splice site. In summary, the available evidence is currently insufficient to determine the role of this variant in disease. Therefore, it has been classified as a Variant of Uncertain Significance.

NM_000214.3(JAG1):c.3261G>A (p.Thr1087=)

Gene: JAG1 (jagged canonical Notch ligand 1; minus strand). Cytogenetic location: 20p12.2.
Variant type: single nucleotide variant.
Coding change: c.3261G>A on transcript NM_000214.3 (MANE Select); coding-DNA position 3261, G replaced by A.
Protein change: p.Thr1087=; no amino-acid change (threonine 1087 retained).
Molecular consequence: synonymous variant.
Genome position (GRCh38, 1-based): chr20:10,639,894, C>T on the plus strand (G>A on the coding strand, the complement: JAG1 is on the minus strand). VCF-style: chr20-10639894-C-T. GRCh37 (hg19) VCF-style: chr20-10620542-C-T.
Identifiers: ClinVar variation 2049733 (VCV002049733.4), dbSNP rs770197804, ClinGen allele CA9764239.